The following is an entry in ClinVar:

NM_000135.4(FANCA):c.2253dup (p.Thr752fs)

Gene: FANCA (FA complementation group A; minus strand). Cytogenetic location: 16q24.3.
Variant type: Duplication.
Coding change: c.2253dup on transcript NM_000135.4 (MANE Select); coding-DNA position 2253, one base duplicated (G; older notation c.2253dupG).
Protein change: p.Thr752fs; shifts the reading frame from threonine 752.
Molecular consequence: frameshift variant.
Genome position (GRCh38, 1-based): chr16:89,770,229, C duplicated on the plus strand (G on the coding strand, the reverse complement: FANCA is on the minus strand); the first of 2 consecutive C bases (chr16:89,770,229-89,770,230); duplicating either gives the same sequence. VCF-style (leftmost placement, unchanged base first): chr16-89770228-T-TC. GRCh37 (hg19) VCF-style: chr16-89836636-T-TC.
Other names: c.2253dup, p.Thr752fs (NM_001286167.3); short protein forms T752fs.
Identifiers: ClinVar variation 1074697 (VCV001074697.7), dbSNP rs2143336354, ClinGen allele CA2499223838.

ClinVar aggregate classification (germline): Pathogenic (1 of 4 stars; one submission).

Conditions:
Fanconi anemia (FA). Also called: Fanconi's anemia. Identifiers: Orphanet 84, MedGen C0015625, MeSH D005199, MONDO:0019391.

Submission:

Labcorp Genetics (formerly Invitae), Labcorp
Classification: Pathogenic for Fanconi anemia. Last evaluated: 2020-03-11. Review status: criteria provided, single submitter. Criteria: Invitae Variant Classification Sherloc (09022015). Collection method: clinical testing. Allele origin: germline.
Comment: For these reasons, this variant has been classified as Pathogenic. Loss-of-function variants in FANCA are known to be pathogenic (PMID: 19367192). This variant has not been reported in the literature in individuals with FANCA-related conditions. This variant is not present in population databases (ExAC no frequency). This sequence change creates a premature translational stop signal (p.Thr752Aspfs*42) in the FANCA gene. It is expected to result in an absent or disrupted protein product.

Literature cited by the submitters: PubMed 19367192.